The following is an entry in ClinVar:

NM_000492.4(CFTR):c.2147_2149delinsGG (p.Lys716fs)

Gene: CFTR (CF transmembrane conductance regulator; plus strand). Cytogenetic location: 7q31.2.
Variant type: Indel.
Coding change: c.2147_2149delinsGG on transcript NM_000492.4 (MANE Select); coding-DNA positions 2147 to 2149, AGA replaced by GG.
Protein change: p.Lys716fs; shifts the reading frame from lysine 716.
Molecular consequence: frameshift variant.
Genome position (GRCh38, 1-based): chr7:117,592,314-117,592,316, AGA replaced by GG. VCF-style: chr7-117592314-AGA-GG. GRCh37 (hg19) VCF-style: chr7-117232368-AGA-GG.
Other names: short protein forms K716fs.
Identifiers: ClinVar variation 4532958 (VCV004532958.1).
Genomic context (GRCh38, chr7:117,592,314, plus strand): 5'-AAAGGAAGAATTCTATTCTCAATCCAATCAACTCTATACGAAAATTTTCCATTGTGCAAA[AGA>GG]CTCCCTTACAAATGAATGGCATCGAAGAGGATTCTGATGAGCCTTTAGAGAGAAGGCTGT-3'

ClinVar aggregate classification (germline): Pathogenic. Review status: criteria provided, multiple submitters, no conflicts (2 of 4 stars). 2 submissions from 2 submitters: Pathogenic (2). Last evaluated 2025-02-06.

Conditions:
CFTR-related disorder (CFTR-RD). Also called: CFTR-related disorders; CFTR-related condition. Identifiers: MedGen C5924204, MONDO:7770004.

Submissions (2):

Quest Diagnostics Nichols Institute San Juan Capistrano
Classification: Pathogenic. Last evaluated: 2025-02-06. Review status: criteria provided, single submitter. Criteria: Quest Diagnostics criteria. Collection method: clinical testing. Allele origin: unknown.
Comment: The CFTR c.2147_2149delinsGG (p.Lys716Argfs*6) variant alters the translational reading frame of the CFTR mRNA and causes the premature termination of CFTR protein synthesis. This variant has been reported in the published literature in individuals with cystic fibrosis (CF) (PMID: 32026723 (2020)). This variant has not been reported in large, multi-ethnic general populations (Genome Aggregation Database). Based on the available information, this variant is classified as pathogenic.

Natera, Inc.
Classification: Pathogenic for CFTR-related disorders. Last evaluated: 2024-07-11. Review status: criteria provided, single submitter. Criteria: Natera Variant Classification Schema (03/2026). Collection method: clinical testing. Allele origin: germline.
Comment: The c.2147_2149delAGAinsGG variant in CFTR is a frameshift variant predicted to shift the reading frame beginning at codon 716 and leads to a stop codon 6 codons downstream. This variant is expected to result in nonsense mediated decay, truncation, or a dysfunctional protein product. This variant is rare in the general population with a frequency below the threshold expected for the associated phenotype(s). This variant has been observed in one or more individuals affected with the associated recessive disease, as either homozygous or compound heterozygous with a second variant (PMID: 32026723). Given the available evidence, this variant is classified as Pathogenic.

Literature cited by the submitters: PubMed 32026723 (cited by Quest Diagnostics Nichols Institute San Juan Capistrano and Natera, Inc.).